The following is an entry in ClinVar:

NM_006389.5(HYOU1):c.2170C>A (p.Gln724Lys)

Gene: HYOU1 (hypoxia up-regulated 1; minus strand). Cytogenetic location: 11q23.3.
Variant type: single nucleotide variant.
Coding change: c.2170C>A on transcript NM_006389.5 (MANE Select); coding-DNA position 2170, C replaced by A.
Protein change: p.Gln724Lys; replaces glutamine 724 with lysine.
Molecular consequence: missense variant.
Genome position (GRCh38, 1-based): chr11:119,048,559, G>T on the plus strand (C>A on the coding strand, the complement: HYOU1 is on the minus strand). VCF-style: chr11-119048559-G-T. GRCh37 (hg19) VCF-style: chr11-118919271-G-T.
Other names: c.2170C>A, p.Gln724Lys (NM_001130991.3, NM_001411041.1); short protein forms Q724K.
Identifiers: ClinVar variation 4691481 (VCV004691481.1).

ClinVar aggregate classification (germline): Uncertain significance (1 of 4 stars; one submission).

gnomAD v4.1: 1 of 1,613,942 alleles (0.000062%); highest among the groups gnomAD compares: Non-Finnish European, 0.000085%; no homozygotes.

Submission:

Labcorp Genetics (formerly Invitae), Labcorp
Classification: Uncertain significance. Last evaluated: 2025-11-25. Review status: criteria provided, single submitter. Criteria: Invitae Variant Classification Sherloc (09022015). Collection method: clinical testing. Allele origin: germline.
Comment: This sequence change replaces glutamine, which is neutral and polar, with lysine, which is basic and polar, at codon 724 of the HYOU1 protein (p.Gln724Lys). This variant is present in population databases (no rsID available, gnomAD 0.0009%). This variant has not been reported in the literature in individuals affected with HYOU1-related conditions. An algorithm developed to predict the effect of missense changes on protein structure and function (PolyPhen-2) suggests that this variant is likely to be tolerated. In summary, the available evidence is currently insufficient to determine the role of this variant in disease. Therefore, it has been classified as a Variant of Uncertain Significance.